The following is an entry in ClinVar:

ClinVar aggregate classification (germline): Pathogenic. Review status: criteria provided, multiple submitters, no conflicts (2 of 4 stars). 4 submissions from 4 submitters: Pathogenic (2). 2 of the submissions do not count toward it. Last evaluated 2024-10-09.

Conditions:
Congenital erythropoietic porphyria. Also called: UROPORPHYRINOGEN III SYNTHASE DEFICIENCY; Porphyria, Erythropoietic; Congenital porphyria; Günther disease; Uroporphyrinogen III synthase, deficiency of; Cutaneous porphyria. Identifiers: Orphanet 79277, MedGen C5886774, MONDO:0009902, OMIM 263700.

Allele frequency attached by ClinVar (database versions not stated): TOPMed 0.00004; ExAC 0.00005; gnomAD 0.00007 and 0.00006; gnomAD exomes 0.00004; 1000 Genomes Project 0.00020; 1000 Genomes Project 30x 0.00031.
gnomAD v4.1: 130 of 1,612,916 alleles (0.0081%); highest among the groups gnomAD compares: Non-Finnish European, 0.0096%; no homozygotes.

Submissions (4):

Victorian Clinical Genetics Services, Murdoch Childrens Research Institute
Classification: Pathogenic for Congenital erythropoietic porphyria. Last evaluated: 2024-10-09. Review status: criteria provided, single submitter. Criteria: ACMG Guidelines, 2015. Collection method: clinical testing. Allele origin: germline. Inheritance: Autosomal recessive inheritance. Affected: yes.
Comment: Based on the classification scheme VCGS_Germline_v1.3.4, this variant is classified as Pathogenic. Following criteria are met: 0102 - Loss of function is a known mechanism of disease in this gene and is associated with congenital erythropoietic porphyria (MIM#263700). (I) 0106 - This gene is associated with autosomal recessive disease. (I) 0200 - Variant is predicted to result in a missense amino acid change from glycine to serine. (I) 0251 - This variant is heterozygous. (I) 0304 - Variant is present in gnomAD (v3) <0.01 for a recessive condition (10 heterozygotes, 0 homozygotes). (SP) 0501 - Missense variant consistently predicted to be damaging by multiple in silico tools or highly conserved with a major amino acid change. (SP) 0600 - Variant is located in the annotated HEM4 domain (DECIPHER). (I) 0705 - No comparable missense variants have previous evidence for pathogenicity. (I) 0801 - This variant has strong previous evidence of pathogenicity in unrelated individuals. This variant has been observed as compound heterozygous in at least eight individuals with congenital erythropoietic porphyria (PMIDs: 38255745, 28334762, 16365260, 22816431, 30685241, 12060112). (SP) Legend: (SP) - Supporting pathogenic, (I) - Information, (SB) - Supporting benign

Labcorp Genetics (formerly Invitae), Labcorp
Classification: Pathogenic. Last evaluated: 2023-12-02. Review status: criteria provided, single submitter. Criteria: Invitae Variant Classification Sherloc (09022015). Collection method: clinical testing. Allele origin: germline.
Comment: This sequence change replaces glycine, which is neutral and non-polar, with serine, which is neutral and polar, at codon 225 of the UROS protein (p.Gly225Ser). This variant is present in population databases (rs121908020, gnomAD 0.006%). This missense change has been observed in individuals with congenital erythropoietic porphyria (PMID: 7860775, 16365260). It has also been observed to segregate with disease in related individuals. ClinVar contains an entry for this variant (Variation ID: 3766). Advanced modeling of protein sequence and biophysical properties (such as structural, functional, and spatial information, amino acid conservation, physicochemical variation, residue mobility, and thermodynamic stability) performed at Invitae indicates that this missense variant is not expected to disrupt UROS protein function with a negative predictive value of 80%. Experimental studies have shown that this missense change affects UROS function (PMID: 7860775, 19099412). For these reasons, this variant has been classified as Pathogenic.

OMIM
Classification: Pathogenic for PORPHYRIA, CONGENITAL ERYTHROPOIETIC. Last evaluated: 2001-03-01. Review status: no assertion criteria provided. Collection method: literature only. Allele origin: germline. Not counted in ClinVar's aggregate classification.

GeneReviews
No classification provided. Condition: Congenital erythropoietic porphyria. Review status: no classification provided. Collection method: literature only. Allele origin: germline. Not counted in ClinVar's aggregate classification.

Literature cited by the submitters: PubMed 12060112 (cited by Victorian Clinical Genetics Services, Murdoch Childrens Research Institute); PubMed 16365260 (cited by Victorian Clinical Genetics Services, Murdoch Childrens Research Institute and Labcorp Genetics (formerly Invitae), Labcorp); PubMed 22816431 (cited by Victorian Clinical Genetics Services, Murdoch Childrens Research Institute); PubMed 28334762 (cited by Victorian Clinical Genetics Services, Murdoch Childrens Research Institute); PubMed 30685241 (cited by Victorian Clinical Genetics Services, Murdoch Childrens Research Institute); PubMed 38255745 (cited by Victorian Clinical Genetics Services, Murdoch Childrens Research Institute); PubMed 7860775 (cited by Labcorp Genetics (formerly Invitae), Labcorp); PubMed 19099412 (cited by Labcorp Genetics (formerly Invitae), Labcorp); PubMed 11254675 (cited by OMIM); NCBI Bookshelf NBK154652 (cited by GeneReviews).

NM_000375.3(UROS):c.673G>A (p.Gly225Ser)

Gene: UROS (uroporphyrinogen III synthase; minus strand). Cytogenetic location: 10q26.2.
Variant type: single nucleotide variant.
Coding change: c.673G>A on transcript NM_000375.3 (MANE Select); coding-DNA position 673, G replaced by A.
Protein change: p.Gly225Ser; replaces glycine 225 with serine.
Molecular consequence: missense variant. On other transcripts: non-coding transcript variant (3).
Genome position (GRCh38, 1-based): chr10:125,788,993, C>T on the plus strand (G>A on the coding strand, the complement: UROS is on the minus strand). VCF-style: chr10-125788993-C-T. GRCh37 (hg19) VCF-style: chr10-127477562-C-T.
Other names: c.754G>A, p.Gly252Ser (NM_001324036.2); c.673G>A, p.Gly225Ser (NM_001324037.2); c.592G>A, p.Gly198Ser (NM_001324038.2); short protein forms G225S, G198S, G252S.
Identifiers: ClinVar variation 3766 (VCV000003766.12), dbSNP rs121908020, ClinGen allele CA340125.